The following is an entry in ClinVar:

ClinVar aggregate classification (germline): Uncertain significance. Review status: criteria provided, multiple submitters, no conflicts (2 of 4 stars). 9 submissions from 3 submitters: Uncertain significance (9). Last evaluated 2025-07-06.

Conditions:
CFH-Related Dense Deposit Disease / Membranoproliferative Glomerulonephritis Type II. Identifiers: MedGen CN071292.
Hemolytic uremic syndrome, atypical, susceptibility to, 1. Also called: AHUS, SUSCEPTIBILITY TO, 1. Identifiers: Orphanet 2134, Orphanet 90038, MedGen C2749604, MONDO:0009335, OMIM 235400. Disease mechanism: Other.
Age related macular degeneration 4. Identifiers: MedGen C1853147, MONDO:0012540, OMIM 610698.
Basal laminar drusen. Also called: DRUSEN OF BRUCH MEMBRANE; DRUSEN, CUTICULAR; DRUSEN, EARLY ADULT-ONSET, GROUPED. Identifiers: Orphanet 75376, MedGen C0730295, MONDO:0007472, OMIM 126700.
Factor H deficiency (CFHD). Also called: CFH DEFICIENCY; COMPLEMENT FACTOR H DEFICIENCY. Identifiers: Orphanet 200421, MedGen C0398777, MONDO:0012350, OMIM 609814.

Allele frequency attached by ClinVar (database versions not stated): ExAC 0.00001; gnomAD 0.00002; gnomAD exomes 0.00002; TOPMed 0.00002.

Submissions (9):

Labcorp Genetics (formerly Invitae), Labcorp
Classification: Uncertain significance. Last evaluated: 2025-07-06. Review status: criteria provided, single submitter. Criteria: Invitae Variant Classification Sherloc (09022015). Collection method: clinical testing. Allele origin: germline.
Comment: This sequence change replaces methionine, which is neutral and non-polar, with isoleucine, which is neutral and non-polar, at codon 11 of the CFH protein (p.Met11Ile). This variant is present in population databases (rs779670935, gnomAD 0.004%). This variant has not been reported in the literature in individuals affected with CFH-related conditions. ClinVar contains an entry for this variant (Variation ID: 876852). An algorithm developed to predict the effect of missense changes on protein structure and function outputs the following: PolyPhen-2: "Benign". The isoleucine amino acid residue is found in multiple mammalian species, which suggests that this missense change does not adversely affect protein function. In summary, the available evidence is currently insufficient to determine the role of this variant in disease. Therefore, it has been classified as a Variant of Uncertain Significance.

Genome-Nilou Lab
Classification: Uncertain significance for Hemolytic uremic syndrome, atypical, susceptibility to, 1. Last evaluated: 2023-04-11. Review status: criteria provided, single submitter. Criteria: ACMG Guidelines, 2015. Collection method: clinical testing. Allele origin: germline. Affected: no.

Genome-Nilou Lab
Classification: Uncertain significance for Age related macular degeneration 4. Last evaluated: 2023-04-11. Review status: criteria provided, single submitter. Criteria: ACMG Guidelines, 2015. Collection method: clinical testing. Allele origin: germline. Affected: no.

Genome-Nilou Lab
Classification: Uncertain significance for Basal laminar drusen. Last evaluated: 2023-04-11. Review status: criteria provided, single submitter. Criteria: ACMG Guidelines, 2015. Collection method: clinical testing. Allele origin: germline. Affected: no.

Genome-Nilou Lab
Classification: Uncertain significance for Factor H deficiency. Last evaluated: 2023-04-11. Review status: criteria provided, single submitter. Criteria: ACMG Guidelines, 2015. Collection method: clinical testing. Allele origin: germline. Affected: no.

Illumina Laboratory Services, Illumina
Classification: Uncertain significance for Basal laminar drusen. Last evaluated: 2018-01-12. Review status: criteria provided, single submitter. Criteria: ICSL Variant Classification Criteria 13 December 2019. Collection method: clinical testing. Allele origin: germline.

Illumina Laboratory Services, Illumina
Classification: Uncertain significance for Age related macular degeneration 4. Last evaluated: 2018-01-12. Review status: criteria provided, single submitter. Criteria: ICSL Variant Classification Criteria 13 December 2019. Collection method: clinical testing. Allele origin: germline.

Illumina Laboratory Services, Illumina
Classification: Uncertain significance for Hemolytic uremic syndrome, atypical, susceptibility to, 1. Last evaluated: 2018-01-12. Review status: criteria provided, single submitter. Criteria: ICSL Variant Classification Criteria 13 December 2019. Collection method: clinical testing. Allele origin: germline.

Illumina Laboratory Services, Illumina
Classification: Uncertain significance for Membranoproliferative glomerulonephritis with complement factor h deficiency. Last evaluated: 2018-01-12. Review status: criteria provided, single submitter. Criteria: ICSL Variant Classification Criteria 13 December 2019. Collection method: clinical testing. Allele origin: germline.

NM_000186.4(CFH):c.33G>T (p.Met11Ile)

Gene: CFH (complement factor H; plus strand). Cytogenetic location: 1q31.3.
Variant type: single nucleotide variant.
Coding change: c.33G>T on transcript NM_000186.4 (MANE Select); coding-DNA position 33, G replaced by T.
Protein change: p.Met11Ile; replaces methionine 11 with isoleucine.
Molecular consequence: missense variant.
Genome position (GRCh38, 1-based): chr1:196,652,150, G>T. VCF-style: chr1-196652150-G-T. GRCh37 (hg19) VCF-style: chr1-196621280-G-T.
Other names: c.33G>T, p.Met11Ile (NM_001014975.3); short protein forms M11I.
Identifiers: ClinVar variation 876852 (VCV000876852.10), dbSNP rs779670935, ClinGen allele CA1304911.